The following is an entry in ClinVar:

NM_138694.4(PKHD1):c.9937_9938del (p.Arg3313fs)

Gene: PKHD1 (PKHD1 ciliary IPT domain containing fibrocystin/polyductin; minus strand). Cytogenetic location: 6p12.3.
Variant type: Microsatellite.
Coding change: c.9937_9938del on transcript NM_138694.4 (MANE Select); coding-DNA positions 9937 to 9938, 2 bases deleted (AG; older notation c.9937_9938delAG).
Protein change: p.Arg3313fs; shifts the reading frame from arginine 3313.
Molecular consequence: frameshift variant.
Genome position (GRCh38, 1-based): chr6:51,746,781-51,746,782, CT deleted on the plus strand (AG on the coding strand, the reverse complement: PKHD1 is on the minus strand); deleting any 2 consecutive bases within chr6:51,746,781-51,746,786 gives the same sequence; the c. name uses the placement nearest the transcript's 3' end. VCF-style (leftmost placement, unchanged base first): chr6-51746780-CCT-C. GRCh37 (hg19) VCF-style: chr6-51611578-CCT-C.
Other names: c.9937_9938del, p.Arg3313fs (NM_170724.3); short protein forms R3313fs.
Identifiers: ClinVar variation 2677809 (VCV002677809.4), dbSNP rs2533776936, ClinGen allele CA2679078435.
Genomic context (GRCh38, chr6:51,746,780, plus strand): 5'-CCTGGGTTGTAATGAAGGAAAGTAGAACTTGTTTTTATCTTTTATCTTTAGCATCCTGGT[CCT>C]CTCTGCTGTTATTGGGTGCATAATTCCACTGTTCTCTGCATTTGGTAGAATGCAGACATC-3'

ClinVar aggregate classification (germline): Pathogenic/Likely pathogenic. Review status: criteria provided, multiple submitters, no conflicts (2 of 4 stars). 2 submissions from 2 submitters: Pathogenic (1); Likely pathogenic (1). Last evaluated 2024-01-11.

Conditions:
Polycystic kidney disease 4 (PKD4). Also called: POLYCYSTIC KIDNEY AND HEPATIC DISEASE 1; POLYCYSTIC KIDNEY DISEASE, INFANTILE, TYPE I; PKD3; POLYCYSTIC KIDNEY DISEASE 4 WITH OR WITHOUT POLYCYSTIC LIVER DISEASE; Autosomal Recessive Polycystic Kidney Disease – PKHD1. Identifiers: MedGen C4540575, MONDO:0033004, OMIM 263200.
Autosomal recessive polycystic kidney disease (ARPKD). Also called: AR polycystic kidney disease. Identifiers: Orphanet 731, Orphanet 8378, MedGen C0085548, MeSH D017044, MONDO:0009889.

Submissions (2):

Labcorp Genetics (formerly Invitae), Labcorp
Classification: Pathogenic for Autosomal recessive polycystic kidney disease. Last evaluated: 2024-01-11. Review status: criteria provided, single submitter. Criteria: Invitae Variant Classification Sherloc (09022015). Collection method: clinical testing. Allele origin: germline.
Comment: This sequence change creates a premature translational stop signal (p.Arg3313Aspfs*9) in the PKHD1 gene. It is expected to result in an absent or disrupted protein product. Loss-of-function variants in PKHD1 are known to be pathogenic (PMID: 19940839). This variant is not present in population databases (gnomAD no frequency). This variant has not been reported in the literature in individuals affected with PKHD1-related conditions. For these reasons, this variant has been classified as Pathogenic.

Baylor Genetics
Classification: Likely pathogenic for Polycystic kidney disease 4. Last evaluated: 2023-05-17. Review status: criteria provided, single submitter. Criteria: ACMG Guidelines, 2015. Collection method: clinical testing. Allele origin: unknown.

Literature cited by the submitters: PubMed 19940839 (cited by Labcorp Genetics (formerly Invitae), Labcorp).